The following is an entry in ClinVar:

ClinVar aggregate classification (germline): Conflicting classifications of pathogenicity. Review status: criteria provided, conflicting classifications (1 of 4 stars). 6 submissions from 5 submitters: Uncertain significance (1); Benign (2); Likely benign (3). Last evaluated 2025-10-21.

Conditions:
Maturity-onset diabetes of the young type 1. Also called: MODY, type I; MILD JUVENILE DIABETES MELLITUS; MODY type 1; Diabetes mellitus MODY type 1; MODY HNF4A related; HNF4A-Related Maturity-Onset Diabetes of the Young Type 1. Identifiers: Orphanet 552, MedGen C1852093, MONDO:0007452, OMIM 125850. Disease mechanism: loss of function.
Familial hyperinsulinism. Also called: Congenital hyperinsulinism. Identifiers: Orphanet 276525, MedGen C3888018, MONDO:0017182. Disease mechanism: loss of function.
Maturity-onset diabetes of the young (MODY). Also called: Maturity onset diabetes mellitus in young. Identifiers: Orphanet 552, MedGen C0342276, MONDO:0018911, HP:0004904.

Allele frequency attached by ClinVar (database versions not stated): ExAC 0.00005; ESP Exome Variant Server 0.00008; gnomAD exomes 0.00009 and 0.00012; gnomAD 0.00016; TOPMed 0.00020; 1000 Genomes Project 30x 0.00031; 1000 Genomes Project 0.00040.
gnomAD v4.1: 200 of 1,592,478 alleles (0.013%); highest among the groups gnomAD compares: Middle Eastern, 0.033%; no homozygotes.

Submissions (6):

Labcorp Genetics (formerly Invitae), Labcorp
Classification: Likely benign. Last evaluated: 2025-10-21. Review status: criteria provided, single submitter. Criteria: Invitae Variant Classification Sherloc (09022015). Collection method: clinical testing. Allele origin: germline.

Women's Health and Genetics/Laboratory Corporation of America, LabCorp
Classification: Benign. Last evaluated: 2025-07-16. Review status: criteria provided, single submitter. Criteria: LabCorp Variant Classification Summary - May 2015. Collection method: clinical testing. Allele origin: germline.

Blueprint Genetics
Classification: Likely benign. Last evaluated: 2022-09-09. Review status: criteria provided, single submitter. Criteria: ACMG Guidelines, 2015. Collection method: clinical testing. Allele origin: germline.

Illumina Laboratory Services, Illumina
Classification: Likely benign for Maturity-onset diabetes of the young type 1. Last evaluated: 2018-01-13. Review status: criteria provided, single submitter. Criteria: ICSL Variant Classification Criteria 13 December 2019. Collection method: clinical testing. Allele origin: germline.
Comment: This variant was observed in the ICSL laboratory as part of a predisposition screen in an ostensibly healthy population. It had not been previously curated by ICSL or reported in the Human Gene Mutation Database (HGMD: prior to June 1st, 2018), and was therefore a candidate for classification through an automated scoring system. Utilizing variant allele frequency, disease prevalence and penetrance estimates, and inheritance mode, an automated score was calculated to assess if this variant is too frequent to cause the disease. Based on the score and internal cut-off values, a variant classified as likely benign is not then subjected to further curation. The score for this variant resulted in a classification of likely benign for this disease.

Illumina Laboratory Services, Illumina
Classification: Uncertain significance for Familial hyperinsulinism. Last evaluated: 2018-01-13. Review status: criteria provided, single submitter. Criteria: ICSL Variant Classification Criteria 13 December 2019. Collection method: clinical testing. Allele origin: germline.

Clinical Genomics, Uppaluri K&H Personalized Medicine Clinic
Classification: Benign for Maturity-onset diabetes of the young. Review status: criteria provided, single submitter. Criteria: K & H Uppaluri Personalized Medicine Clinic Variant Classification & Assertion Criteria_Updated V.1. Collection method: research. Allele origin: unknown. Inheritance: Autosomal dominant inheritance.
Comment: Potent mutations in HNF4A are associated with poor insulin secretion in response to hyperglycemia. Associated with MODY1. Patients initially respond well to sulfonylureas but eventually become insulin dependent. However, more evidence is required to ascertain the role of this particular variant rs372596032 in MODY, yet.

Literature cited by the submitters: PubMed 18268044 (cited by Clinical Genomics, Uppaluri K&H Personalized Medicine Clinic); PubMed 17563455 (cited by Clinical Genomics, Uppaluri K&H Personalized Medicine Clinic); PubMed 32583173 (cited by Clinical Genomics, Uppaluri K&H Personalized Medicine Clinic); PubMed 35052457 (cited by Clinical Genomics, Uppaluri K&H Personalized Medicine Clinic); PubMed 35118593 (cited by Clinical Genomics, Uppaluri K&H Personalized Medicine Clinic); DOI 10.1159/000334532 (cited by Clinical Genomics, Uppaluri K&H Personalized Medicine Clinic).

NM_175914.5(HNF4A):c.582+12C>T

Gene: HNF4A (hepatocyte nuclear factor 4 alpha; plus strand). Cytogenetic location: 20q13.12.
Variant type: single nucleotide variant.
Coding change: c.582+12C>T on transcript NM_175914.5 (MANE Select); 12 bases into the intron after coding-DNA position 582, C replaced by T.
Molecular consequence: intron variant.
Genome position (GRCh38, 1-based): chr20:44,414,674, C>T. VCF-style: chr20-44414674-C-T. GRCh37 (hg19) VCF-style: chr20-43043314-C-T.
Other names: c.573+12C>T (NM_001287182.2, NM_001287183.2, NM_001287184.2); c.582+12C>T (NM_001030003.3, NM_001030004.3); c.627+12C>T (NM_001258355.2); c.648+12C>T (NM_178849.3, NM_000457.6, NM_178850.3).
Identifiers: ClinVar variation 899288 (VCV000899288.10), dbSNP rs372596032, ClinGen allele CA9870303.